The following is an entry in ClinVar:

ClinVar aggregate classification (germline): Benign (1 of 4 stars; one submission).

Conditions:
Congenital brain dysgenesis due to glutamine synthetase deficiency (GLND). Also called: GLUTAMINE SYNTHASE DEFICIENCY, CONGENITAL SYSTEMIC. Identifiers: Orphanet 71278, MedGen C1864910, MONDO:0012393, OMIM 610015.

Allele frequency attached by ClinVar (database versions not stated): 1000 Genomes Project 30x 0.00656; 1000 Genomes Project 0.00719; gnomAD 0.01277 and 0.01330; TOPMed 0.01288.

Submission:

Illumina Laboratory Services, Illumina
Classification: Benign for Congenital brain dysgenesis due to glutamine synthetase deficiency. Last evaluated: 2018-01-13. Review status: criteria provided, single submitter. Criteria: ICSL Variant Classification Criteria 13 December 2019. Collection method: clinical testing. Allele origin: germline.
Comment: This variant was observed in the ICSL laboratory as part of a predisposition screen in an ostensibly healthy population. It had not been previously curated by ICSL or reported in the Human Gene Mutation Database (HGMD: prior to June 1st, 2018), and was therefore a candidate for classification through an automated scoring system. Utilizing variant allele frequency, disease prevalence and penetrance estimates, and inheritance mode, an automated score was calculated to assess if this variant is too frequent to cause the disease. Based on the score and internal cut-off values, a variant classified as benign is not then subjected to further curation. The score for this variant resulted in a classification of benign for this disease.

NM_001033044.4(GLUL):c.*1340C>A

Gene: GLUL (glutamate-ammonia ligase; minus strand). Cytogenetic location: 1q25.3.
Variant type: single nucleotide variant.
Coding change: c.*1340C>A on transcript NM_001033044.4 (MANE Select); 1340 bases downstream of the stop codon, C replaced by A.
Molecular consequence: 3 prime UTR variant.
Genome position (GRCh38, 1-based): chr1:182,383,065, G>T on the plus strand (C>A on the coding strand, the complement: GLUL is on the minus strand). VCF-style: chr1-182383065-G-T. GRCh37 (hg19) VCF-style: chr1-182352200-G-T.
Other names: c.*1340C>A (NM_001033056.4, NM_002065.7).
Identifiers: ClinVar variation 874916 (VCV000874916.4), dbSNP rs78220577, ClinGen allele CA15148145.